The following is an entry in ClinVar:

ClinVar aggregate classification (germline): Uncertain significance (1 of 4 stars; one submission).

Conditions:
MHC class I deficiency. Identifiers: Orphanet 34592, MedGen C6024714, MONDO:0011476.

Allele frequency attached by ClinVar (database versions not stated): gnomAD exomes below 0.00001; gnomAD 0.00001; TOPMed 0.00001.
gnomAD v4.1: 5 of 1,613,774 alleles (0.00031%); highest among the groups gnomAD compares: Admixed American, 0.0067%; no homozygotes.

Submission:

Labcorp Genetics (formerly Invitae), Labcorp
Classification: Uncertain significance for MHC class I deficiency 1. Last evaluated: 2024-04-07. Review status: criteria provided, single submitter. Criteria: Invitae Variant Classification Sherloc (09022015). Collection method: clinical testing. Allele origin: germline.
Comment: This sequence change replaces serine, which is neutral and polar, with glycine, which is neutral and non-polar, at codon 137 of the TAPBP protein (p.Ser137Gly). This variant is present in population databases (no rsID available, gnomAD 0.006%). This variant has not been reported in the literature in individuals affected with TAPBP-related conditions. ClinVar contains an entry for this variant (Variation ID: 1959937). Algorithms developed to predict the effect of missense changes on protein structure and function output the following: SIFT: "Not Available"; PolyPhen-2: "Benign"; Align-GVGD: "Not Available". The glycine amino acid residue is found in multiple mammalian species, which suggests that this missense change does not adversely affect protein function. In summary, the available evidence is currently insufficient to determine the role of this variant in disease. Therefore, it has been classified as a Variant of Uncertain Significance.

NM_003190.5(TAPBP):c.409A>G (p.Ser137Gly)

Gene: TAPBP (TAP binding protein; minus strand). Cytogenetic location: 6p21.32.
Variant type: single nucleotide variant.
Coding change: c.409A>G on transcript NM_003190.5 (MANE Select); coding-DNA position 409, A replaced by G.
Protein change: p.Ser137Gly; replaces serine 137 with glycine.
Molecular consequence: missense variant. On other transcripts: intron variant (1).
Genome position (GRCh38, 1-based): chr6:33,313,277, T>C on the plus strand (A>G on the coding strand, the complement: TAPBP is on the minus strand). VCF-style: chr6-33313277-T-C. GRCh37 (hg19) VCF-style: chr6-33281054-T-C.
Other names: c.409A>G, p.Ser137Gly (NM_001410875.1, NM_172208.3); c.208+417A>G (NM_172209.3); short protein forms S137G.
Identifiers: ClinVar variation 1959937 (VCV001959937.5), dbSNP rs1402275385, ClinGen allele CA363620787.